The following is an entry in ClinVar:

NM_001267550.2(TTN):c.95413T>C (p.Phe31805Leu)

Genes: TTN-AS1 (TTN antisense RNA 1; plus strand), TTN (titin; minus strand). Cytogenetic location: 2q31.2.
Variant type: single nucleotide variant.
Coding change: c.95413T>C on transcript NM_001267550.2 (MANE Select); coding-DNA position 95413, T replaced by C.
Protein change: p.Phe31805Leu; replaces phenylalanine 31805 with leucine.
Molecular consequence: missense variant.
Genome position (GRCh38, 1-based): chr2:178,545,823, A>G on the plus strand (T>C on the coding strand, the complement: TTN is on the minus strand). VCF-style: chr2-178545823-A-G. GRCh37 (hg19) VCF-style: chr2-179410550-A-G.
Other names: c.90490T>C, p.Phe30164Leu (NM_001256850.1); c.68218T>C, p.Phe22740Leu (NM_003319.4); c.87709T>C, p.Phe29237Leu (NM_133378.4); c.68593T>C, p.Phe22865Leu (NM_133432.3); c.68794T>C, p.Phe22932Leu (NM_133437.4); short protein forms F22865L, F29237L, F22932L, F31805L, F22740L, F30164L.
Identifiers: ClinVar variation 1447646 (VCV001447646.8), dbSNP rs537065526, ClinGen allele CA60971417.
Genomic context (GRCh38, chr2:178,545,823, plus strand): 5'-TCCCCCTGATTCTATTACATTTCAACTGTCAAATTATTTAAAAGTGTTAATACTTACTGA[A>G]TGAGTTTCTGGCTACAATTGGCTCTGATTCAACAGGCACACCAGGGCCATATTTGTTTAC-3'
Protein context (NP_001254479.2, residues 31795-31815): ESEPIVARNS[Phe31805Leu]TIPSPPGIPE

ClinVar aggregate classification (germline): Uncertain significance (1 of 4 stars; one submission).

Conditions:
Dilated cardiomyopathy 1G (CMD1G). Identifiers: Orphanet 154, MedGen C1858763, MONDO:0011400, OMIM 604145.
Autosomal recessive limb-girdle muscular dystrophy type 2J (LGMDR10). Also called: MUSCULAR DYSTROPHY, LIMB-GIRDLE, AUTOSOMAL RECESSIVE 10; Limb-girdle muscular dystrophy, type 2J. Identifiers: Orphanet 140922, MedGen C1837342, MONDO:0012127, OMIM 608807.

Allele frequency attached by ClinVar (database versions not stated): TOPMed below 0.00001; gnomAD 0.00001.
gnomAD v4.1: 1 of 1,612,744 alleles (0.000062%); highest among the groups gnomAD compares: Non-Finnish European, 0.000085%; no homozygotes.

Submission:

Labcorp Genetics (formerly Invitae), Labcorp
Classification: Uncertain significance for Dilated cardiomyopathy 1G; Autosomal recessive limb-girdle muscular dystrophy type 2J. Last evaluated: 2024-03-26. Review status: criteria provided, single submitter. Criteria: Invitae Variant Classification Sherloc (09022015). Collection method: clinical testing. Allele origin: germline.
Comment: This sequence change replaces phenylalanine, which is neutral and non-polar, with leucine, which is neutral and non-polar, at codon 31805 of the TTN protein (p.Phe31805Leu). This variant is not present in population databases (gnomAD no frequency). This missense change has been observed in individual(s) with skeletal muscle disease (PMID: 32039858). ClinVar contains an entry for this variant (Variation ID: 1447646). Experimental studies and prediction algorithms are not available or were not evaluated, and the functional significance of this variant is currently unknown. This variant is located in the A band of TTN (PMID: 25589632). Variants in this region may be relevant for cardiac or neuromuscular disorders (PMID: 25589632, 23975875). In summary, the available evidence is currently insufficient to determine the role of this variant in disease. Therefore, it has been classified as a Variant of Uncertain Significance.

Literature cited by the submitters: PubMed 32039858; PubMed 25589632; PubMed 23975875.